The following is an entry in ClinVar:

ClinVar aggregate classification (germline): Uncertain significance (1 of 4 stars; one submission).

Allele frequency attached by ClinVar (database versions not stated): ExAC 0.00001.
gnomAD v4.1: 3 of 1,613,606 alleles (0.00019%); highest among the groups gnomAD compares: Non-Finnish European, 0.00025%; no homozygotes.

Submission:

Labcorp Genetics (formerly Invitae), Labcorp
Classification: Uncertain significance. Last evaluated: 2022-02-06. Review status: criteria provided, single submitter. Criteria: Invitae Variant Classification Sherloc (09022015). Collection method: clinical testing. Allele origin: germline.
Comment: In summary, the available evidence is currently insufficient to determine the role of this variant in disease. Therefore, it has been classified as a Variant of Uncertain Significance. Advanced modeling of protein sequence and biophysical properties (such as structural, functional, and spatial information, amino acid conservation, physicochemical variation, residue mobility, and thermodynamic stability) performed at Invitae indicates that this missense variant is not expected to disrupt MYO15A protein function. This variant has not been reported in the literature in individuals affected with MYO15A-related conditions. This variant is present in population databases (rs780541808, gnomAD 0.0009%). This sequence change replaces alanine, which is neutral and non-polar, with serine, which is neutral and polar, at codon 2687 of the MYO15A protein (p.Ala2687Ser).

NM_016239.4(MYO15A):c.8059G>T (p.Ala2687Ser)

Gene: MYO15A (myosin XVA; plus strand). Cytogenetic location: 17p11.2.
Variant type: single nucleotide variant.
Coding change: c.8059G>T on transcript NM_016239.4 (MANE Select); coding-DNA position 8059, G replaced by T.
Protein change: p.Ala2687Ser; replaces alanine 2687 with serine.
Molecular consequence: missense variant.
Genome position (GRCh38, 1-based): chr17:18,153,867, G>T. VCF-style: chr17-18153867-G-T. GRCh37 (hg19) VCF-style: chr17-18057181-G-T.
Other names: short protein forms A2687S.
Identifiers: ClinVar variation 2093877 (VCV002093877.4), dbSNP rs780541808, ClinGen allele CA8425004.
Genomic context (GRCh38, chr17:18,153,867, plus strand): 5'-GAACTCACGCAGACGCGGCTGCACCGCCTCATCAATCCCAACTTCTACGGCTATCAGGAC[G>T]CCCCCTGGAAGATCTTCCTGCGCAAAGAGGTGCCGAGCACAGCCGTAGCCAGGGGAGGGG-3'
Protein context (NP_057323.3, residues 2677-2697): INPNFYGYQD[Ala2687Ser]PWKIFLRKEV